The following is an entry in ClinVar:

NM_000057.4(BLM):c.1088-17_1088-15del

Gene: BLM (BLM RecQ like helicase; plus strand). Cytogenetic location: 15q26.1.
Variant type: Microsatellite.
Coding change: c.1088-17_1088-15del on transcript NM_000057.4 (MANE Select); 17 bases into the intron before coding-DNA position 1088 through 15 bases into the intron before coding-DNA position 1088, 3 bases deleted (ACA; older notation c.1088-17_1088-15delACA).
Molecular consequence: intron variant. On other transcripts: 5 prime UTR variant (1).
Genome position (GRCh38, 1-based): chr15:90,760,130-90,760,132, ACA deleted; deleting any 3 consecutive bases within chr15:90,760,126-90,760,132 gives the same sequence; the c. name uses the placement nearest the transcript's 3' end. VCF-style (leftmost placement, unchanged base first): chr15-90760125-TAAC-T. GRCh37 (hg19) VCF-style: chr15-91303355-TAAC-T.
Other names: c.-58ACA[1] (NM_001287248.2); c.1088-17_1088-15del (NM_001287246.2, NM_001287247.2).
Identifiers: ClinVar variation 1618354 (VCV001618354.11), dbSNP rs750254937, ClinGen allele CA7738457.

ClinVar aggregate classification (germline): Conflicting classifications of pathogenicity. Review status: criteria provided, conflicting classifications (1 of 4 stars). 2 submissions from 2 submitters: Uncertain significance (1); Likely benign (1). Last evaluated 2026-10-01.

Conditions:
Bloom syndrome (BLM). Also called: Bloom-Torre-Machacek syndrome. Identifiers: Orphanet 125, MedGen C0005859, MONDO:0008876, OMIM 210900.

Submissions (2):

St. Jude Molecular Pathology, St. Jude Children's Research Hospital
Classification: Uncertain significance for Bloom syndrome. Last evaluated: 2026-10-01. Review status: criteria provided, single submitter. Criteria: St. Jude Assertion Criteria 2020. Collection method: clinical testing. Allele origin: germline.
Comment: The BLM c.1088-17_1088-15del intro nic change results in a deletion of three nucleotides in intron 5 of the BLM gene. Algorithms that predict the impact of sequence changes on splicing indicate that this change may impact splicing but to our knowledge these predictions have not been confi rmed by RNA studies. This variant has a maximum subpopulation frequency of 0.004% in gnomAD v2.1.1. To our knowledge, this variant has not been reported in individuals with Bloom syndrome. In summary, the evidence curr ently available is insufficient to determine the clinical significance of this variant. It has therefore been classified as of uncertain significance.

Labcorp Genetics (formerly Invitae), Labcorp
Classification: Likely benign for Bloom syndrome. Last evaluated: 2025-12-24. Review status: criteria provided, single submitter. Criteria: Invitae Variant Classification Sherloc (09022015). Collection method: clinical testing. Allele origin: germline.